The following is an entry in ClinVar:

ClinVar aggregate classification (germline): Uncertain significance (1 of 4 stars; one submission).

Conditions:
Multiple congenital exostosis (EXT). Also called: Multiple osteochondromas; MULTIPLE CARTILAGINOUS EXOSTOSES; Hereditary multiple exostoses; Hereditary multiple exostosis; Hereditary multiple osteochondromas; Multiple exostoses. Identifiers: Orphanet 321, MedGen C0015306, MONDO:0005508, HP:0002762.

Submission:

Labcorp Genetics (formerly Invitae), Labcorp
Classification: Uncertain significance for Multiple congenital exostosis. Last evaluated: 2020-09-18. Review status: criteria provided, single submitter. Criteria: Invitae Variant Classification Sherloc (09022015). Collection method: clinical testing. Allele origin: germline.
Comment: In summary, the available evidence is currently insufficient to determine the role of this variant in disease. Therefore, it has been classified as a Variant of Uncertain Significance. Advanced modeling of protein sequence and biophysical properties (such as structural, functional, and spatial information, amino acid conservation, physicochemical variation, residue mobility, and thermodynamic stability) performed at Invitae indicates that this missense variant is expected to disrupt EXT1 protein function. This variant has not been reported in the literature in individuals with EXT1-related conditions. This variant is not present in population databases (ExAC no frequency). This sequence change replaces valine with leucine at codon 646 of the EXT1 protein (p.Val646Leu). The valine residue is highly conserved and there is a small physicochemical difference between valine and leucine.

NM_000127.3(EXT1):c.1936G>T (p.Val646Leu)

Gene: EXT1 (exostosin glycosyltransferase 1; minus strand). Cytogenetic location: 8q24.11.
Variant type: single nucleotide variant.
Coding change: c.1936G>T on transcript NM_000127.3 (MANE Select); coding-DNA position 1936, G replaced by T.
Protein change: p.Val646Leu; replaces valine 646 with leucine.
Molecular consequence: missense variant.
Genome position (GRCh38, 1-based): chr8:117,804,841, C>A on the plus strand (G>T on the coding strand, the complement: EXT1 is on the minus strand). VCF-style: chr8-117804841-C-A. GRCh37 (hg19) VCF-style: chr8-118817080-C-A.
Other names: short protein forms V646L.
Identifiers: ClinVar variation 1017835 (VCV001017835.8), dbSNP rs1823214606, ClinGen allele CA371877440.